The following is an entry in ClinVar:

NM_000243.3(MEFV):c.1759+1G>A

Genes: MEFV (MEFV innate immunity regulator, pyrin; minus strand), LOC126862264 (CDK7 strongly-dependent group 2 enhancer GRCh37_chr16:3293322-3294521; plus strand). Cytogenetic location: 16p13.3.
Variant type: single nucleotide variant.
Coding change: c.1759+1G>A on transcript NM_000243.3 (MANE Select); the canonical splice donor site of the intron after coding-DNA position 1759, G replaced by A.
Molecular consequence: splice donor variant.
Genome position (GRCh38, 1-based): chr16:3,244,253, C>T on the plus strand (G>A on the coding strand, the complement: MEFV is on the minus strand). VCF-style: chr16-3244253-C-T. GRCh37 (hg19) VCF-style: chr16-3294253-C-T.
Other names: c.1126+1G>A (NM_001198536.2).
Identifiers: ClinVar variation 234363 (VCV000234363.6), dbSNP rs876660996, ClinGen allele CA10577518.

ClinVar aggregate classification (germline): Conflicting classifications of pathogenicity. Review status: criteria provided, conflicting classifications (1 of 4 stars). 4 submissions from 4 submitters: Pathogenic (1); Uncertain significance (3). Last evaluated 2024-12-24.

Conditions:
Familial Mediterranean fever, autosomal dominant. Also called: Dominant Familial Mediterranean Fever; FMF, AUTOSOMAL DOMINANT. Identifiers: Orphanet 342, MedGen C1851347, MONDO:0007601, OMIM 134610.
Acute febrile neutrophilic dermatosis (AFND). Also called: Sweet Syndrome; Gomm Button disease. Identifiers: Orphanet 3243, MedGen C0085077, MONDO:0011959, OMIM 608068.
Familial Mediterranean fever (FMF). Also called: POLYSEROSITIS, FAMILIAL PAROXYSMAL; POLYSEROSITIS, RECURRENT; Periodic peritonitis; Benign paroxysmal peritonitis. Identifiers: Orphanet 342, MedGen C0031069, MONDO:0018088, OMIM 249100. Disease mechanism: gain of function.

Submissions (4):

Labcorp Genetics (formerly Invitae), Labcorp
Classification: Uncertain significance for Familial Mediterranean fever. Last evaluated: 2024-12-24. Review status: criteria provided, single submitter. Criteria: Invitae Variant Classification Sherloc (09022015). Collection method: clinical testing. Allele origin: germline.
Comment: This sequence change affects a donor splice site in intron 8 of the MEFV gene. It is expected to disrupt RNA splicing. Variants that disrupt the donor or acceptor splice site typically lead to a loss of protein function (PMID: 16199547), however the current clinical and genetic evidence is not sufficient to establish whether loss-of-function variants in MEFV cause disease. This variant is not present in population databases (gnomAD no frequency). This variant has not been reported in the literature in individuals affected with MEFV-related conditions. ClinVar contains an entry for this variant (Variation ID: 234363). Algorithms developed to predict the effect of sequence changes on RNA splicing suggest that this variant may disrupt the consensus splice site. In summary, the available evidence is currently insufficient to determine the role of this variant in disease. Therefore, it has been classified as a Variant of Uncertain Significance.

Fulgent Genetics
Classification: Uncertain significance for Familial Mediterranean fever, autosomal dominant; Familial Mediterranean fever; Acute febrile neutrophilic dermatosis. Last evaluated: 2024-03-22. Review status: criteria provided, single submitter. Criteria: ACMG Guidelines, 2015. Collection method: clinical testing. Allele origin: germline.

Greenwood Genetic Center Diagnostic Laboratories, Greenwood Genetic Center
Classification: Uncertain significance. Last evaluated: 2023-03-07. Review status: criteria provided, single submitter. Criteria: ACMG Guidelines, 2015. Collection method: clinical testing. Allele origin: germline. Affected: yes.
Comment: PM2

GeneDx
Classification: Pathogenic. Last evaluated: 2014-07-03. Review status: criteria provided, single submitter. Criteria: GeneDx Variant Classification (06012015). Collection method: clinical testing. Allele origin: germline. Affected: yes.
Comment: The c.1759+1 G>A mutation has not been published as a mutation, nor has it been reported as a benign polymorphism to our knowledge. The c.1759+1 G>A variant was not observed in approximately 6,500 individuals of European and African American ancestry in the NHLBI Exome Sequencing Project, indicating it is not a common benign variant in these populations. Several in-silico splice prediction models predict that c.1759+1 G>A destroys the canonical splice donor site of intron 8. Other splice site mutations in exon 8 of the MEFV gene have been published, according to the Human Gene Mutation Database (Stenson et al., 2009).

Literature cited by the submitters: PubMed 16199547 (cited by Labcorp Genetics (formerly Invitae), Labcorp).